The following is an entry in ClinVar:

ClinVar aggregate classification (germline): Uncertain significance. Review status: criteria provided, multiple submitters, no conflicts (2 of 4 stars). 2 submissions from 2 submitters: Uncertain significance (2). Last evaluated 2025-01-18.

Conditions:
Severe combined immunodeficiency due to DNA-PKcs deficiency. Also called: IMMUNODEFICIENCY 26 WITH NEUROLOGIC ABNORMALITIES; Immunodeficiency 26 with or without neurologic abnormalities. Identifiers: Orphanet 317425, MedGen C4014833, MONDO:0014423, OMIM 615966.

Allele frequency attached by ClinVar (database versions not stated): TOPMed 0.00001; gnomAD 0.00003; ExAC 0.00025.
gnomAD v4.1: 94 of 1,609,162 alleles (0.0058%); highest among the groups gnomAD compares: South Asian, 0.099%; 1 homozygote.

Submissions (2):

Labcorp Genetics (formerly Invitae), Labcorp
Classification: Uncertain significance for Severe combined immunodeficiency due to DNA-PKcs deficiency. Last evaluated: 2025-01-18. Review status: criteria provided, single submitter. Criteria: Invitae Variant Classification Sherloc (09022015). Collection method: clinical testing. Allele origin: germline.
Comment: This sequence change replaces valine, which is neutral and non-polar, with leucine, which is neutral and non-polar, at codon 1096 of the PRKDC protein (p.Val1096Leu). This variant is present in population databases (rs764536422, gnomAD 0.1%). This variant has not been reported in the literature in individuals affected with PRKDC-related conditions. ClinVar contains an entry for this variant (Variation ID: 1729792). Invitae Evidence Modeling of protein sequence and biophysical properties (such as structural, functional, and spatial information, amino acid conservation, physicochemical variation, residue mobility, and thermodynamic stability) indicates that this missense variant is not expected to disrupt PRKDC protein function with a negative predictive value of 80%. In summary, the available evidence is currently insufficient to determine the role of this variant in disease. Therefore, it has been classified as a Variant of Uncertain Significance.

Ambry Genetics
Classification: Uncertain significance. Last evaluated: 2021-11-22. Review status: criteria provided, single submitter. Criteria: Ambry Variant Classification Scheme 2023. Collection method: clinical testing. Allele origin: germline.
Comment: The p.V1096L variant (also known as c.3286G>T), located in coding exon 28 of the PRKDC gene, results from a G to T substitution at nucleotide position 3286. The valine at codon 1096 is replaced by leucine, an amino acid with highly similar properties. This amino acid position is conserved. In addition, the in silico prediction for this alteration is inconclusive. Since supporting evidence is limited at this time, the clinical significance of this alteration remains unclear.

NM_006904.7(PRKDC):c.3286G>T (p.Val1096Leu)

Gene: PRKDC (protein kinase, DNA-activated, catalytic subunit; minus strand). Cytogenetic location: 8q11.21.
Variant type: single nucleotide variant.
Coding change: c.3286G>T on transcript NM_006904.7 (MANE Select); coding-DNA position 3286, G replaced by T.
Protein change: p.Val1096Leu; replaces valine 1096 with leucine.
Molecular consequence: missense variant.
Genome position (GRCh38, 1-based): chr8:47,900,451, C>A on the plus strand (G>T on the coding strand, the complement: PRKDC is on the minus strand). VCF-style: chr8-47900451-C-A. GRCh37 (hg19) VCF-style: chr8-48813011-C-A.
Other names: c.3286G>T, p.Val1096Leu (NM_001081640.2); short protein forms V1096L.
Identifiers: ClinVar variation 1729792 (VCV001729792.4), dbSNP rs764536422, ClinGen allele CA4741227.